The following is an entry in ClinVar:

ClinVar aggregate classification (germline): Conflicting classifications of pathogenicity. Review status: criteria provided, conflicting classifications (1 of 4 stars). 3 submissions from 3 submitters: Uncertain significance (1); Likely benign (2). Last evaluated 2025-11-01.

Conditions:
Hereditary spastic paraplegia 39 (SPG39). Also called: SPASTIC PARAPLEGIA 39, AUTOSOMAL RECESSIVE; Spastic Paraplegia Type 39 (SPG39). Identifiers: Orphanet 139480, MedGen C2677586, MONDO:0012787, OMIM 612020.

Allele frequency attached by ClinVar (database versions not stated): TOPMed 0.00002.
gnomAD v4.1: 36 of 1,606,294 alleles (0.0022%); highest among the groups gnomAD compares: Non-Finnish European, 0.003%; no homozygotes.

Submissions (4):

CeGaT Center for Human Genetics Tuebingen
Classification: Uncertain significance. Last evaluated: 2025-11-01. Review status: criteria provided, single submitter. Criteria: CeGaT Center For Human Genetics Tuebingen Variant Classification Criteria Version 2. Collection method: clinical testing. Allele origin: germline. Affected: yes. Observed: 1 variant allele.
Comment: PNPLA6: PM2, BP4

Labcorp Genetics (formerly Invitae), Labcorp
Classification: Likely benign for Hereditary spastic paraplegia 39. Last evaluated: 2025-09-02. Review status: criteria provided, single submitter. Criteria: Invitae Variant Classification Sherloc (09022015). Collection method: clinical testing. Allele origin: germline.

Mayo Clinic Laboratories, Mayo Clinic
Classification: Likely benign. Last evaluated: 2024-08-01. Review status: criteria provided, single submitter. Criteria: ACMG Guidelines, 2015. Collection method: clinical testing. Allele origin: germline. Observed: 2 variant alleles.
Comment: BP4

Dr. Peter K. Rogan Lab, Western University
No classification provided (evidence only). Condition: Cervical cancer. Review status: no classification provided. Collection method: in vitro. Allele origin: not applicable. Functional consequence: retained intron. Not counted in ClinVar's aggregate classification.

NM_001166114.2(PNPLA6):c.3281-5C>G

Gene: PNPLA6 (patatin like domain 6, lysophospholipase; plus strand). Cytogenetic location: 19p13.2.
Variant type: single nucleotide variant.
Coding change: c.3281-5C>G on transcript NM_001166114.2 (MANE Select); 5 bases into the intron before coding-DNA position 3281, C replaced by G.
Molecular consequence: intron variant.
Genome position (GRCh38, 1-based): chr19:7,557,163, C>G. VCF-style: chr19-7557163-C-G. GRCh37 (hg19) VCF-style: chr19-7622049-C-G.
Other names: p.?; c.3167-5C>G (NM_006702.5, NM_001166113.1); c.3086-5C>G (NM_001166112.2); c.3311-5C>G (NM_001166111.2).
Identifiers: ClinVar variation 843875 (VCV000843875.15), dbSNP rs370676290, ClinGen allele CA9140417.
Genomic context (GRCh38, chr19:7,557,163, plus strand): 5'-GGCTGGGCCTCCGGCGTGTCTGAGCGTGTCTGTGCGTGTTTGTGTCTGTGTGTCCCACCG[C>G]GCAGGCTCCCTGTGGCGGTACGTGCGCGCCAGCATGACGCTGTCGGGCTACCTGCCCCCG-3'